The following is an entry in ClinVar:

ClinVar aggregate classification (germline): Uncertain significance. Review status: criteria provided, multiple submitters, no conflicts (2 of 4 stars). 2 submissions from 2 submitters: Uncertain significance (2). Last evaluated 2025-09-02.

Allele frequency attached by ClinVar (database versions not stated): ExAC 0.00002; TOPMed 0.00006; gnomAD 0.00007; gnomAD exomes 0.00007; ESP Exome Variant Server 0.00008; 1000 Genomes Project 30x 0.00016; 1000 Genomes Project 0.00020.
gnomAD v4.1: 116 of 1,613,996 alleles (0.0072%); highest among the groups gnomAD compares: Non-Finnish European, 0.0092%; no homozygotes.

Submissions (2):

Labcorp Genetics (formerly Invitae), Labcorp
Classification: Uncertain significance. Last evaluated: 2025-09-02. Review status: criteria provided, single submitter. Criteria: Invitae Variant Classification Sherloc (09022015). Collection method: clinical testing. Allele origin: germline.
Comment: This sequence change replaces valine, which is neutral and non-polar, with leucine, which is neutral and non-polar, at codon 222 of the ARHGAP24 protein (p.Val222Leu). This variant is present in population databases (rs189944282, gnomAD 0.006%). This variant has not been reported in the literature in individuals affected with ARHGAP24-related conditions. ClinVar contains an entry for this variant (Variation ID: 2080810). An algorithm developed to predict the effect of missense changes on protein structure and function (PolyPhen-2) suggests that this variant is likely to be tolerated. In summary, the available evidence is currently insufficient to determine the role of this variant in disease. Therefore, it has been classified as a Variant of Uncertain Significance.

Ambry Genetics
Classification: Uncertain significance. Last evaluated: 2022-12-06. Review status: criteria provided, single submitter. Criteria: Ambry Variant Classification Scheme 2023. Collection method: clinical testing. Allele origin: germline.

NM_001025616.3(ARHGAP24):c.664G>C (p.Val222Leu)

Gene: ARHGAP24 (Rho GTPase activating protein 24; plus strand). Cytogenetic location: 4q21.23.
Variant type: single nucleotide variant.
Coding change: c.664G>C on transcript NM_001025616.3 (MANE Select); coding-DNA position 664, G replaced by C.
Protein change: p.Val222Leu; replaces valine 222 with leucine.
Molecular consequence: missense variant.
Genome position (GRCh38, 1-based): chr4:85,972,100, G>C. VCF-style: chr4-85972100-G-C. GRCh37 (hg19) VCF-style: chr4-86893253-G-C.
Other names: c.664G>C (NM_001025616.2); c.379G>C, p.Val127Leu (NM_001042669.2); c.409G>C, p.Val137Leu (NM_001287805.2); c.85G>C, p.Val29Leu (NM_001346093.2); c.385G>C, p.Val129Leu (NM_031305.3); short protein forms V127L, V129L, V137L, V222L, V29L.
Identifiers: ClinVar variation 2080810 (VCV002080810.5), dbSNP rs189944282, ClinGen allele CA2994557.
Genomic context (GRCh38, chr4:85,972,100, plus strand): 5'-ACAGATGTACACACGGTGGCATCACTTCTTAAGCTGTACCTCCGAGAACTTCCAGAACCA[G>C]TTATTCCTTATGCGAAGTATGAAGATTTTTTGTCATGTGCCAAACTGCTCAGCAAGGAAG-3'
Protein context (NP_001020787.2, residues 212-232): KLYLRELPEP[Val222Leu]IPYAKYEDFL